The following is an entry in ClinVar:

ClinVar aggregate classification (germline): Likely pathogenic (1 of 4 stars; one submission).

Conditions:
Usher syndrome type 2C. Also called: USHER SYNDROME, TYPE IIC; Usher syndrome, type 2B. Identifiers: Orphanet 231178, Orphanet 886, MedGen C2931213, MONDO:0011558, OMIM 605472.

Submission:

CGC Genetics, Unilabs
Classification: Likely pathogenic for Usher syndrome type 2C. Last evaluated: 2025-01-30. Review status: criteria provided, single submitter. Criteria: ACMG Guidelines, 2015. Collection method: clinical testing. Allele origin: unknown. Inheritance: Autosomal recessive inheritance. Affected: yes. Observed: 1 variant allele.
Comment: It has been described in the literature together with other variants in other genes in a patient with retinal dystrophy combined with hearing loss (PMID: 34148116). It is a frameshift variant that introduces a premature stop codon, which in turn is predicted to lead to the creation of a truncated protein and/or a reduction in its expression due to mRNA degradation. With the information currently available, this should be classified as a likely pathogenic variant. ACMG codes: PVS1; PM2_supporting.

Literature cited by the submitters: PubMed 34148116.

NM_032119.4(ADGRV1):c.1563del (p.Pro522fs)

Gene: ADGRV1 (adhesion G protein-coupled receptor V1; plus strand). Cytogenetic location: 5q14.3.
Variant type: Deletion.
Coding change: c.1563del on transcript NM_032119.4 (MANE Select); coding-DNA position 1563, one base deleted (T; older notation c.1563delT).
Protein change: p.Pro522fs; shifts the reading frame from proline 522.
Molecular consequence: frameshift variant. On other transcripts: non-coding transcript variant (1).
Genome position (GRCh38, 1-based): chr5:90,629,263, T deleted; the last of 6 consecutive T bases (chr5:90,629,258-90,629,263); deleting any one gives the same sequence. VCF-style (leftmost placement, unchanged base first): chr5-90629257-AT-A. GRCh37 (hg19) VCF-style: chr5-89925074-AT-A.
Other names: short protein forms P522fs.
Identifiers: ClinVar variation 3765558 (VCV003765558.1).